The following is an entry in ClinVar:

NM_001909.5(CTSD):c.90G>A (p.Thr30=)

Genes: CTSD (cathepsin D; minus strand), PRADX (PRC2 and DDX5 associated lncRNA; plus strand). Cytogenetic location: 11p15.5.
Variant type: single nucleotide variant.
Coding change: c.90G>A on transcript NM_001909.5 (MANE Select); coding-DNA position 90, G replaced by A.
Protein change: p.Thr30=; no amino-acid change (threonine 30 retained).
Molecular consequence: synonymous variant.
Genome position (GRCh38, 1-based): chr11:1,761,447, C>T on the plus strand (G>A on the coding strand, the complement: CTSD is on the minus strand). VCF-style: chr11-1761447-C-T. GRCh37 (hg19) VCF-style: chr11-1782677-C-T.
Identifiers: ClinVar variation 303841 (VCV000303841.44), dbSNP rs368529527, ClinGen allele CA5814296.

ClinVar aggregate classification (germline): Conflicting classifications of pathogenicity. Review status: criteria provided, conflicting classifications (1 of 4 stars). 7 submissions from 7 submitters: Uncertain significance (1); Likely benign (6). Last evaluated 2026-06-01.

Conditions:
Neuronal ceroid lipofuscinosis. Also called: Neuronal Ceroid Lipofuscinoses. Identifiers: Orphanet 216, Orphanet 79263, MedGen C0027877, MONDO:0016295. Disease mechanism: loss of function.
Inborn genetic diseases. Identifiers: MedGen C0950123, MeSH D030342.
Neuronal ceroid lipofuscinosis 10 (CLN10). Also called: NEURONAL CEROID LIPOFUSCINOSIS DUE TO CATHEPSIN D DEFICIENCY; CTSD-Related Neuronal Ceroid-Lipofuscinosis. Identifiers: Orphanet 228337, MedGen C1864669, MONDO:0012414, OMIM 610127.

Allele frequency attached by ClinVar (database versions not stated): ExAC 0.00004; ESP Exome Variant Server 0.00008; gnomAD exomes 0.00008 and 0.00012; TOPMed 0.00009; gnomAD 0.00012.
gnomAD v4.1: 191 of 1,613,730 alleles (0.012%); highest among the groups gnomAD compares: South Asian, 0.029%; no homozygotes.

Submissions (7):

Women's Health and Genetics/Laboratory Corporation of America, LabCorp
Classification: Likely benign. Last evaluated: 2026-06-01. Review status: criteria provided, single submitter. Criteria: LabCorp Variant Classification Summary - May 2015. Collection method: clinical testing. Allele origin: germline.

Labcorp Genetics (formerly Invitae), Labcorp
Classification: Likely benign for Neuronal ceroid lipofuscinosis. Last evaluated: 2025-09-19. Review status: criteria provided, single submitter. Criteria: Invitae Variant Classification Sherloc (09022015). Collection method: clinical testing. Allele origin: germline.

CeGaT Center for Human Genetics Tuebingen
Classification: Likely benign. Last evaluated: 2024-01-01. Review status: criteria provided, single submitter. Criteria: CeGaT Center For Human Genetics Tuebingen Variant Classification Criteria Version 2. Collection method: clinical testing. Allele origin: germline. Affected: yes. Observed: 1 variant allele.
Comment: CTSD: BP4, BP7

Blueprint Genetics
Classification: Likely benign. Last evaluated: 2023-02-23. Review status: criteria provided, single submitter. Criteria: ACMG Guidelines, 2015. Collection method: clinical testing. Allele origin: germline.

GeneDx
Classification: Likely benign. Last evaluated: 2019-03-05. Review status: criteria provided, single submitter. Criteria: GeneDx Variant Classification Process June 2021. Collection method: clinical testing. Allele origin: germline. Affected: yes.

Illumina Laboratory Services, Illumina
Classification: Uncertain significance for Neuronal ceroid lipofuscinosis 10. Last evaluated: 2018-01-13. Review status: criteria provided, single submitter. Criteria: ICSL Variant Classification Criteria 13 December 2019. Collection method: clinical testing. Allele origin: germline.

Ambry Genetics
Classification: Likely benign for Inborn genetic diseases. Last evaluated: 2017-01-17. Review status: criteria provided, single submitter. Criteria: Ambry Variant Classification Scheme 2023. Collection method: clinical testing. Allele origin: germline.